The following is an entry in ClinVar:

ClinVar aggregate classification (germline): Benign (1 of 4 stars; one submission).

Allele frequency attached by ClinVar (database versions not stated): 1000 Genomes Project 30x 0.21658; 1000 Genomes Project 0.21685; TOPMed 0.27329; gnomAD exomes 0.28095; gnomAD 0.28963 and 0.29561.
gnomAD v4.1: 106,812 of 375,036 alleles (28%); highest among the groups gnomAD compares: Non-Finnish European, 31%; 16,911 homozygotes.

Submission:

GeneDx
Classification: Benign. Last evaluated: 2018-06-19. Review status: criteria provided, single submitter. Criteria: GeneDx Variant Classification (06012015). Collection method: clinical testing. Allele origin: germline. Affected: yes.
Comment: This variant is considered likely benign or benign based on one or more of the following criteria: it is a conservative change, it occurs at a poorly conserved position in the protein, it is predicted to be benign by multiple in silico algorithms, and/or has population frequency not consistent with disease.

NM_001127222.2(CACNA1A):c.4867-301A>G

Gene: CACNA1A (calcium voltage-gated channel subunit alpha1 A; minus strand). Cytogenetic location: 19p13.13.
Variant type: single nucleotide variant.
Coding change: c.4867-301A>G on transcript NM_001127222.2 (MANE Select); 301 bases into the intron before coding-DNA position 4867, A replaced by G.
Molecular consequence: intron variant.
Genome position (GRCh38, 1-based): chr19:13,245,566, T>C on the plus strand (A>G on the coding strand, the complement: CACNA1A is on the minus strand). VCF-style: chr19-13245566-T-C. GRCh37 (hg19) VCF-style: chr19-13356380-T-C.
Other names: c.4870-301A>G (NM_001127221.2, NM_001174080.2); c.4879-301A>G (NM_000068.4, NM_023035.3).
Identifiers: ClinVar variation 668049 (VCV000668049.1), dbSNP rs2302080, ClinGen allele CA14683788.